The following is an entry in ClinVar:

NM_000535.7(PMS2):c.24-11G>C

Gene: PMS2 (PMS1 homolog 2, mismatch repair system component; minus strand). Cytogenetic location: 7p22.1.
Variant type: single nucleotide variant.
Coding change: c.24-11G>C on transcript NM_000535.7 (MANE Select); 11 bases into the intron before coding-DNA position 24, G replaced by C.
Molecular consequence: intron variant.
Genome position (GRCh38, 1-based): chr7:6,006,042, C>G on the plus strand (G>C on the coding strand, the complement: PMS2 is on the minus strand). VCF-style: chr7-6006042-C-G. GRCh37 (hg19) VCF-style: chr7-6045673-C-G.
Other names: c.-324-16G>C (NM_001406889.1, NM_001406904.1); c.-377-16G>C (NM_001322013.2, NM_001406905.1, NM_001406906.1 and 6 more transcripts); c.-856-16G>C (NM_001322012.2); c.-456-16G>C (NM_001322015.2); c.-192-11G>C (NM_001406896.1, NM_001406901.1, NM_001406903.1 and 2 more transcripts); c.24-11G>C (NM_001406885.1, NM_001406886.1, NM_001406884.1 and 10 more transcripts); c.-358-11G>C (NM_001406900.1); c.-329-11G>C (NM_001406909.1, NM_001406907.1, NM_001406892.1 and 3 more transcripts); and 12 more.
Identifiers: ClinVar variation 2774156 (VCV002774156.3), dbSNP rs1554306632, ClinGen allele CA2681679377.
Genomic context (GRCh38, chr7:6,006,042, plus strand): 5'-GATGGACTGACTTCCGATCAATAGGTTTGATGGCCTTAGCAGGTTCTGTACTAGAGAAAT[C>G]AGTTACAAGAAACAAATCAAGTATTCAGCTATATATTTTCATCCTGATTTTAACTGTGGG-3'

ClinVar aggregate classification (germline): Conflicting classifications of pathogenicity. Review status: criteria provided, conflicting classifications (1 of 4 stars). 2 submissions from 2 submitters: Uncertain significance (1); Likely benign (1). Last evaluated 2026-09-18.

Conditions:
Lynch syndrome 4 (LYNCH4). Also called: Colorectal cancer, hereditary nonpolyposis, type 4; Hereditary non-polyposis colorectal cancer, type 4. Identifiers: Orphanet 144, MedGen C1838333, MONDO:0013699, OMIM 614337. Disease mechanism: loss of function.
Hereditary cancer-predisposing syndrome. Also called: Neoplastic Syndromes, Hereditary; Tumor predisposition; Hereditary Cancer Syndrome; Hereditary neoplastic syndrome. Identifiers: Orphanet 140162, MedGen C0027672, MeSH D009386, MONDO:0015356.

Allele frequency attached by ClinVar (database versions not stated): gnomAD exomes below 0.00001.
gnomAD v4.1: 3 of 1,610,362 alleles (0.00019%); highest among the groups gnomAD compares: Non-Finnish European, 0.00017%; no homozygotes.

Submissions (2):

Myriad Genetics, Inc.
Classification: Likely benign for Lynch syndrome 4. Last evaluated: 2026-09-18. Review status: criteria provided, single submitter. Criteria: Myriad Autosomal Dominant, Autosomal Recessive and X-Linked Classification Criteria (2023). Collection method: clinical testing. Allele origin: unknown.
Comment: This variant is considered likely benign. This variant is intronic and is not expected to impact mRNA splicing.

Color Diagnostics, LLC DBA Color Health
Classification: Uncertain significance for Hereditary cancer-predisposing syndrome. Last evaluated: 2023-05-31. Review status: criteria provided, single submitter. Criteria: ACMG Guidelines, 2015. Collection method: clinical testing. Allele origin: germline.
Comment: This variant causes a G to C nucleotide substitution at the -11 position of intron 1 of the PMS2 gene. Splice site prediction tools suggest that this variant may not impact RNA splicing. To our knowledge, functional studies have not been reported for this variant. This variant has not been reported in individuals affected with PMS2-related disorders in the literature. This variant has not been identified in the general population by the Genome Aggregation Database (gnomAD). The available evidence is insufficient to determine the role of this variant in disease conclusively. Therefore, this variant is classified as a Variant of Uncertain Significance.